The following is an entry in ClinVar:

NM_018063.5(HELLS):c.1817G>T (p.Arg606Leu)

Gene: HELLS (helicase, lymphoid specific; plus strand). Cytogenetic location: 10q23.33.
Variant type: single nucleotide variant.
Coding change: c.1817G>T on transcript NM_018063.5 (MANE Select); coding-DNA position 1817, G replaced by T.
Protein change: p.Arg606Leu; replaces arginine 606 with leucine.
Molecular consequence: missense variant.
Genome position (GRCh38, 1-based): chr10:94,592,278, G>T. VCF-style: chr10-94592278-G-T. GRCh37 (hg19) VCF-style: chr10-96352035-G-T.
Other names: c.1955G>T, p.Arg652Leu (NM_001289067.2); c.1769G>T, p.Arg590Leu (NM_001289068.2); c.1721G>T, p.Arg574Leu (NM_001289069.2); c.1523G>T, p.Arg508Leu (NM_001289070.2); c.1445G>T, p.Arg482Leu (NM_001289071.2); c.1427G>T, p.Arg476Leu (NM_001289072.2); c.1403G>T, p.Arg468Leu (NM_001289073.2); c.734G>T, p.Arg245Leu (NM_001289074.2); and 1 more; short protein forms R200L, R245L, R508L, R590L, R574L, R606L, R652L, R476L.
Identifiers: ClinVar variation 1351467 (VCV001351467.6), dbSNP rs948418095, ClinGen allele CA377667012.

ClinVar aggregate classification (germline): Uncertain significance (1 of 4 stars; one submission).

gnomAD v4.1: 1 of 1,612,014 alleles (0.000062%); highest among the groups gnomAD compares: Admixed American, 0.0017%; no homozygotes.

Submission:

Labcorp Genetics (formerly Invitae), Labcorp
Classification: Uncertain significance. Last evaluated: 2021-11-14. Review status: criteria provided, single submitter. Criteria: Invitae Variant Classification Sherloc (09022015). Collection method: clinical testing. Allele origin: germline.
Comment: This sequence change replaces arginine, which is basic and polar, with leucine, which is neutral and non-polar, at codon 606 of the HELLS protein (p.Arg606Leu). In summary, the available evidence is currently insufficient to determine the role of this variant in disease. Therefore, it has been classified as a Variant of Uncertain Significance. Algorithms developed to predict the effect of missense changes on protein structure and function (SIFT, PolyPhen-2, Align-GVGD) all suggest that this variant is likely to be disruptive. This variant has not been reported in the literature in individuals affected with HELLS-related conditions. This variant is not present in population databases (gnomAD no frequency).